The following is an entry in ClinVar:

NM_003884.5(KAT2B):c.2044C>T (p.Arg682Ter)

Gene: KAT2B (lysine acetyltransferase 2B; plus strand). Cytogenetic location: 3p24.3.
Variant type: single nucleotide variant.
Coding change: c.2044C>T on transcript NM_003884.5 (MANE Select); coding-DNA position 2044, C replaced by T.
Protein change: p.Arg682Ter; replaces arginine 682 with a stop codon.
Molecular consequence: nonsense.
Genome position (GRCh38, 1-based): chr3:20,146,355, C>T. VCF-style: chr3-20146355-C-T. GRCh37 (hg19) VCF-style: chr3-20187847-C-T.
Other names: short protein forms R682*.
Identifiers: ClinVar variation 4885419 (VCV004885419.2).

ClinVar aggregate classification (germline): Uncertain significance (1 of 4 stars; one submission).

gnomAD v4.1: 7 of 1,612,530 alleles (0.00043%); highest among the groups gnomAD compares: Non-Finnish European, 0.00051%; no homozygotes.

Submission:

Dasa
Classification: Uncertain significance. Last evaluated: 2025-06-27. Review status: criteria provided, single submitter. Criteria: DASA Assertion Criteria. Collection method: clinical testing. Allele origin: germline.
Comment: NM_003884.5(KAT2B):c.2044C>T (p.Arg682*) is a nonsense variant in KAT2B predicted to introduce a premature termination codon. This variant is rare in population databases. The currently available literature and clinical evidence are not sufficient to establish a definitive association between this variant and the reported condition. Therefore, this variant is classified as a variant of uncertain significance.